The following is an entry in ClinVar:

ClinVar aggregate classification (germline): Uncertain significance. Review status: criteria provided, multiple submitters, no conflicts (2 of 4 stars). 2 submissions from 2 submitters: Uncertain significance (2). Last evaluated 2023-07-27.

Allele frequency attached by ClinVar (database versions not stated): ExAC 0.00001; gnomAD 0.00001; TOPMed 0.00001.

Submissions (2):

Labcorp Genetics (formerly Invitae), Labcorp
Classification: Uncertain significance. Last evaluated: 2023-07-27. Review status: criteria provided, single submitter. Criteria: Invitae Variant Classification Sherloc (09022015). Collection method: clinical testing. Allele origin: germline.
Comment: In summary, the available evidence is currently insufficient to determine the role of this variant in disease. Therefore, it has been classified as a Variant of Uncertain Significance. Algorithms developed to predict the effect of missense changes on protein structure and function output the following: SIFT: "Not Available"; PolyPhen-2: "Benign"; Align-GVGD: "Not Available". The glutamine amino acid residue is found in multiple mammalian species, which suggests that this missense change does not adversely affect protein function. ClinVar contains an entry for this variant (Variation ID: 1908187). This variant has not been reported in the literature in individuals affected with GUCA1B-related conditions. This variant is present in population databases (rs761368318, gnomAD 0.002%). This sequence change replaces arginine, which is basic and polar, with glutamine, which is neutral and polar, at codon 63 of the GUCA1B protein (p.Arg63Gln).

Ambry Genetics
Classification: Uncertain significance. Last evaluated: 2022-06-13. Review status: criteria provided, single submitter. Criteria: Ambry Variant Classification Scheme 2023. Collection method: clinical testing. Allele origin: germline.

NM_002098.6(GUCA1B):c.188G>A (p.Arg63Gln)

Gene: GUCA1B (guanylate cyclase activator 1B; minus strand). Cytogenetic location: 6p21.1.
Variant type: single nucleotide variant.
Coding change: c.188G>A on transcript NM_002098.6 (MANE Select); coding-DNA position 188, G replaced by A.
Protein change: p.Arg63Gln; replaces arginine 63 with glutamine.
Molecular consequence: missense variant.
Genome position (GRCh38, 1-based): chr6:42,194,633, C>T on the plus strand (G>A on the coding strand, the complement: GUCA1B is on the minus strand). VCF-style: chr6-42194633-C-T. GRCh37 (hg19) VCF-style: chr6-42162371-C-T.
Other names: short protein forms R63Q.
Identifiers: ClinVar variation 1908187 (VCV001908187.6), dbSNP rs761368318, ClinGen allele CA3805629.
Genomic context (GRCh38, chr6:42,194,633, plus strand): 5'-AGGTGGACTGGCCACTGGTCCTTCCCTTCAGGGTGCCTTACCCCATTCTTGTCGAAGGCT[C>T]GGAACATGCCCTCTACATACTGGGAGGCCTCCTCATCGTCTGTGACCTTGAAGAAGCGCT-3'
Protein context (NP_002089.4, residues 53-73): EASQYVEGMF[Arg63Gln]AFDKNGDNTI